The following is an entry in ClinVar:

ClinVar aggregate classification (germline): Likely benign. Review status: criteria provided, multiple submitters, no conflicts (2 of 4 stars). 2 submissions from 2 submitters: Likely benign (2). Last evaluated 2025-10-09.

Conditions:
Spastic paraplegia. Identifiers: MedGen C0037772, HP:0001258.

Allele frequency attached by ClinVar (database versions not stated): gnomAD 0.00001; ExAC 0.00002; gnomAD exomes 0.00002 and 0.00004; TOPMed 0.00008.
gnomAD v4.1: 59 of 1,612,750 alleles (0.0037%); highest among the groups gnomAD compares: Admixed American, 0.013%; no homozygotes.

Submissions (2):

Labcorp Genetics (formerly Invitae), Labcorp
Classification: Likely benign for Spastic paraplegia. Last evaluated: 2025-10-09. Review status: criteria provided, single submitter. Criteria: Invitae Variant Classification Sherloc (09022015). Collection method: clinical testing. Allele origin: germline.

GeneDx
Classification: Likely benign. Last evaluated: 2017-10-05. Review status: criteria provided, single submitter. Criteria: GeneDx Variant Classification (06012015). Collection method: clinical testing. Allele origin: germline. Affected: yes.
Comment: This variant is considered likely benign or benign based on one or more of the following criteria: it is a conservative change, it occurs at a poorly conserved position in the protein, it is predicted to be benign by multiple in silico algorithms, and/or has population frequency not consistent with disease.

NM_015346.4(ZFYVE26):c.3819G>A (p.Pro1273=)

Gene: ZFYVE26 (zinc finger FYVE-type containing 26; minus strand). Cytogenetic location: 14q24.1.
Variant type: single nucleotide variant.
Coding change: c.3819G>A on transcript NM_015346.4 (MANE Select); coding-DNA position 3819, G replaced by A.
Protein change: p.Pro1273=; no amino-acid change (proline 1273 retained).
Molecular consequence: synonymous variant.
Genome position (GRCh38, 1-based): chr14:67,783,333, C>T on the plus strand (G>A on the coding strand, the complement: ZFYVE26 is on the minus strand). VCF-style: chr14-67783333-C-T. GRCh37 (hg19) VCF-style: chr14-68250050-C-T.
Identifiers: ClinVar variation 512506 (VCV000512506.9), dbSNP rs752013494, ClinGen allele CA7239900.